The following is an entry in ClinVar:

ClinVar aggregate classification (germline): Uncertain significance (1 of 4 stars; one submission).

Conditions:
Cutis laxa, X-linked (OHS). Also called: EDS IX; Occipital horn syndrome. Identifiers: Orphanet 198, MedGen C0268353, MONDO:0010572, OMIM 304150.
X-linked distal spinal muscular atrophy type 3. Also called: ATP7A-Related Distal Motor Neuropathy; SPINAL MUSCULAR ATROPHY, DISTAL, X-LINKED RECESSIVE; NEUROPATHY, DISTAL HEREDITARY MOTOR, X-LINKED; NEURONOPATHY, DISTAL HEREDITARY MOTOR, X-LINKED. Identifiers: Orphanet 139557, MedGen C1845359, MONDO:0010338, OMIM 300489.
Menkes kinky-hair syndrome (MNK). Also called: Classic Menkes Disease; Copper transport disease; Menkes Disease. Identifiers: Orphanet 565, MedGen C0022716, MONDO:0010651, OMIM 309400.

Submission:

Labcorp Genetics (formerly Invitae), Labcorp
Classification: Uncertain significance for X-linked distal spinal muscular atrophy type 3; Cutis laxa, X-linked; Menkes kinky-hair syndrome. Last evaluated: 2021-06-16. Review status: criteria provided, single submitter. Criteria: Invitae Variant Classification Sherloc (09022015). Collection method: clinical testing. Allele origin: germline.
Comment: This sequence change replaces phenylalanine with leucine at codon 717 of the ATP7A protein (p.Phe717Leu). The phenylalanine residue is moderately conserved and there is a small physicochemical difference between phenylalanine and leucine. This variant is not present in population databases (ExAC no frequency). This variant has not been reported in the literature in individuals with ATP7A-related conditions. Advanced modeling of protein sequence and biophysical properties (such as structural, functional, and spatial information, amino acid conservation, physicochemical variation, residue mobility, and thermodynamic stability) performed at Invitae indicates that this missense variant is not expected to disrupt ATP7A protein function. In summary, the available evidence is currently insufficient to determine the role of this variant in disease. Therefore, it has been classified as a Variant of Uncertain Significance.

NM_000052.7(ATP7A):c.2149T>C (p.Phe717Leu)

Gene: ATP7A (ATPase copper transporting alpha; plus strand). Cytogenetic location: Xq21.1.
Variant type: single nucleotide variant.
Coding change: c.2149T>C on transcript NM_000052.7 (MANE Select); coding-DNA position 2149, T replaced by C.
Protein change: p.Phe717Leu; replaces phenylalanine 717 with leucine.
Molecular consequence: missense variant.
Genome position (GRCh38, 1-based): chrX:78,011,651, T>C. VCF-style: chrX-78011651-T-C. GRCh37 (hg19) VCF-style: chrX-77267148-T-C.
Other names: c.2149T>C, p.Phe717Leu (NM_001282224.2); short protein forms F717L.
Identifiers: ClinVar variation 1401372 (VCV001401372.8), dbSNP rs1557234537, ClinGen allele CA413598523.